The following is an entry in ClinVar:

ClinVar aggregate classification (germline): Uncertain significance. Review status: criteria provided, multiple submitters, no conflicts (2 of 4 stars). 15 submissions from 15 submitters: Uncertain significance (13). 2 of the submissions do not count toward it. Last evaluated 2026-06-01.

Conditions:
CFTR-related disorder (CFTR-RD). Also called: CFTR-related condition; CFTR-related disorders. Identifiers: MedGen C5924204, MONDO:7770004.
Cystic fibrosis (CF). Also called: MUCOVISCIDOSIS. Identifiers: Orphanet 586, MedGen C0010674, MONDO:0009061, OMIM 219700. Disease mechanism: loss of function.
Bronchiectasis with or without elevated sweat chloride 1 (BESC1). Also called: Cystic Fibrosis-Like Syndrome. Identifiers: Orphanet 60033, MedGen C2749757, MONDO:0008887, OMIM 211400.
Hereditary pancreatitis (PCTT). Also called: PRSS1-Related Hereditary Pancreatitis; Hereditary chronic pancreatitis. Identifiers: Orphanet 676, MedGen C0238339, MONDO:0008185, OMIM 167800.
Congenital bilateral aplasia of vas deferens from CFTR mutation (CBAVD). Identifiers: Orphanet 48, MedGen C0403814, MONDO:0010178, OMIM 277180. Disease mechanism: loss of function.

Allele frequency attached by ClinVar (database versions not stated): gnomAD exomes 0.00018; gnomAD 0.00019; TOPMed 0.00024; ESP Exome Variant Server 0.00031.
gnomAD v4.1: 297 of 1,613,864 alleles (0.018%); highest among the groups gnomAD compares: Middle Eastern, 0.18%; no homozygotes.

Submissions 1 to 11 of 15:

Women's Health and Genetics/Laboratory Corporation of America, LabCorp
Classification: Uncertain significance. Last evaluated: 2026-06-01. Review status: criteria provided, single submitter. Criteria: LabCorp Variant Classification Summary - May 2015. Collection method: clinical testing. Allele origin: germline.
Comment: Variant summary: CFTR c.31G>A (p.Val11Ile) results in a conservative amino acid change in the encoded protein sequence. Algorithms developed to predict the effect of missense changes on protein structure and function all suggest that this variant is likely to be tolerated. The variant allele was found at a frequency of 0.00016 in 250988 control chromosomes (gnomAD). This frequency is not significantly higher than estimated for disease-causing variants in CFTR, allowing no conclusion about variant significance. c.31G>A has been reported in the literature in individuals with various phenotypes including asthma, chronic pancreatitis, idiopathic azoospermia/oligozoospermia, and primary sclerosing cholangitis, all without strong evidence for causality (e.g., Tzetis_2001, Palermo_2016, Oud_2017, Werlin_2018). In addition, the variant was also reported in an asymptomatic individual along with p.Phe508del (Claustres_2017), in an individual reporting unspecified spectrum of CF (Schrijver_2005) and was found in trans with p.Phe508del during newborn screening (Skov_2019). These reports do not provide unequivocal conclusions about association of the variant with disease. At least one publication reports experimental evidence evaluating an impact on protein function. The most pronounced variant effect resulted in approximately 82% of normal chloride channel conductance relative to wild type (e.g., Bihler_2024). The following publications have been ascertained in the context of this evaluation (PMID: 22324837, 38388235, 28603918, 22664493, 28801929, 27171515, 25735457, 34996830, 16049310, 31682332, 11354633, 29807875, 35072004). ClinVar contains an entry for this variant (Variation ID: 495928). Based on the evidence outlined above, the variant was classified as uncertain significance.

Ambry Genetics
Classification: Uncertain significance for Cystic fibrosis. Last evaluated: 2025-03-24. Review status: criteria provided, single submitter. Criteria: Ambry Variant Classification Scheme 2023. Collection method: clinical testing. Allele origin: germline.
Comment: The p.V11I variant (also known as c.31G>A), located in coding exon 1 of the CFTR gene, results from a G to A substitution at nucleotide position 31. The valine at codon 11 is replaced by isoleucine, an amino acid with highly similar properties. This variant was detected in an individual with asthma in conjunction with a second CFTR alteration; however, the phase was not provided (Tzetis M et al. Hum. Genet., 2001 Mar;108:216-21). This variant was also identified in an individual with chronic pancreatitis (Palermo JJ et al. Pancreas, 2016 Oct;45:1347-52). In an asymptomatic individual, this variant was detected in conjunction with p.F508del; however, it is unclear if the phase was determined (Claustres M et al. Hum. Mutat., 2017 10;38:1297-1315). This amino acid position is well conserved in available vertebrate species. In addition, the in silico prediction for this alteration is inconclusive. Based on available evidence to date, the clinical significance of this alteration remains unclear.

3billion
Classification: Uncertain significance for Cystic fibrosis. Last evaluated: 2025-02-20. Review status: criteria provided, single submitter. Criteria: ACMG Guidelines, 2015. Collection method: clinical testing. Allele origin: germline. Affected: yes.
Comment: The variant is observed at an extremely low frequency in the gnomAD v4.1.0 dataset (total allele frequency: 0.018%). Predicted Consequence/Location: Missense variant The same nucleotide change resulting in the same amino acid change has been previously reported to be associated with CFTR-related disorder (PMID: 11354633). However, the evidence of pathogenicity is insufficient at this time. Therefore, this variant is classified as VUS according to the recommendation of ACMG/AMP guideline.

Mayo Clinic Laboratories, Mayo Clinic
Classification: Uncertain significance. Last evaluated: 2025-01-27. Review status: criteria provided, single submitter. Criteria: ACMG Guidelines, 2015. Collection method: clinical testing. Allele origin: germline. Observed: 4 variant alleles.
Comment: PM2_supporting

Labcorp Genetics (formerly Invitae), Labcorp
Classification: Uncertain significance for Cystic fibrosis. Last evaluated: 2025-01-02. Review status: criteria provided, single submitter. Criteria: Invitae Variant Classification Sherloc (09022015). Collection method: clinical testing. Allele origin: germline.
Comment: This sequence change replaces valine, which is neutral and non-polar, with isoleucine, which is neutral and non-polar, at codon 11 of the CFTR protein (p.Val11Ile). This variant is present in population databases (rs1800072, gnomAD 0.03%). This missense change has been observed in individual(s) with chronic pancreatitis and clinical manifestations consistent with the spectrum of cystic fibrosis (PMID: 15858154, 27171515). ClinVar contains an entry for this variant (Variation ID: 495928). Invitae Evidence Modeling of protein sequence and biophysical properties (such as structural, functional, and spatial information, amino acid conservation, physicochemical variation, residue mobility, and thermodynamic stability) indicates that this missense variant is not expected to disrupt CFTR protein function with a negative predictive value of 95%. In summary, the available evidence is currently insufficient to determine the role of this variant in disease. Therefore, it has been classified as a Variant of Uncertain Significance.

Blueprint Genetics
Classification: Uncertain significance. Last evaluated: 2024-11-26. Review status: criteria provided, single submitter. Criteria: ACMG Guidelines, 2015. Collection method: clinical testing. Allele origin: germline.

GeneDx
Classification: Uncertain significance. Last evaluated: 2023-09-07. Review status: criteria provided, single submitter. Criteria: GeneDx Variant Classification Process June 2021. Collection method: clinical testing. Allele origin: germline. Affected: yes.
Comment: In silico analysis supports that this missense variant does not alter protein structure/function; This variant is associated with the following publications: (PMID: 34426522, 11354633, 27171515, 34996830, 15858154)

Baylor Genetics
Classification: Uncertain significance for Bronchiectasis with or without elevated sweat chloride 1. Last evaluated: 2023-05-02. Review status: criteria provided, single submitter. Criteria: ACMG Guidelines, 2015. Collection method: clinical testing. Allele origin: unknown.

Sema4
Classification: Uncertain significance for Hereditary pancreatitis. Last evaluated: 2022-01-07. Review status: criteria provided, single submitter. Criteria: Sema4 Curation Guidelines. Collection method: curation. Allele origin: germline.
Comment: The CFTR c.31G>A (p.V11I) variant has been reported in heterozygosity in at least 5 individuals with pancreatitis, asthma, idiopatic infertility, primary sclerosing cholangitis and other CFTR-related disorders (PMID: 11354633, 27171515, 15858154, 28801929, 29807875). However, this variant has also been reported in compound heterozygosity with a pathogenic variant in 2 individuals with cystic fibrosis (PMID: 28603918, 31682332). It was observed in 40/128740 chromosomes in the Non-Finnish European subpopulation in the Genome Aggregation Database (PMID: 32461654). This variant has been reported in ClinVar (Variation ID: 495928). Functional studies have not been performed, and in silico predictions of the variant's effect on protein function are inconclusive. The evidence is insufficient to meet ACMG/AMP criteria for classifying the variant as benign or pathogenic. Thus, the clinical significance of this variant is currently uncertain.

Fulgent Genetics
Classification: Uncertain significance for Hereditary pancreatitis; Bronchiectasis with or without elevated sweat chloride 1; Cystic fibrosis; Congenital bilateral aplasia of vas deferens from CFTR mutation. Last evaluated: 2022-01-03. Review status: criteria provided, single submitter. Criteria: ACMG Guidelines, 2015. Collection method: clinical testing. Allele origin: unknown.

Genome-Nilou Lab
Classification: Uncertain significance for Cystic fibrosis. Last evaluated: 2021-09-05. Review status: criteria provided, single submitter. Criteria: ACMG Guidelines, 2015. Collection method: clinical testing. Allele origin: germline. Affected: no.

NM_000492.4(CFTR):c.31G>A (p.Val11Ile)

Gene: CFTR (CF transmembrane conductance regulator; plus strand). Cytogenetic location: 7q31.2.
Variant type: single nucleotide variant.
Coding change: c.31G>A on transcript NM_000492.4 (MANE Select); coding-DNA position 31, G replaced by A.
Protein change: p.Val11Ile; replaces valine 11 with isoleucine.
Molecular consequence: missense variant.
Genome position (GRCh38, 1-based): chr7:117,480,125, G>A. VCF-style: chr7-117480125-G-A. GRCh37 (hg19) VCF-style: chr7-117120179-G-A.
Other names: short protein forms V11I.
Identifiers: ClinVar variation 495928 (VCV000495928.44), dbSNP rs1800072, ClinGen allele CA4450601.